The following is an entry in ClinVar:

NM_025225.3(PNPLA3):c.1300A>G (p.Lys434Glu)

Gene: PNPLA3 (patatin like domain 3, 1-acylglycerol-3-phosphate O-acyltransferase; plus strand). Cytogenetic location: 22q13.31.
Variant type: single nucleotide variant.
Coding change: c.1300A>G on transcript NM_025225.3 (MANE Select); coding-DNA position 1300, A replaced by G.
Protein change: p.Lys434Glu; replaces lysine 434 with glutamic acid.
Molecular consequence: missense variant.
Genome position (GRCh38, 1-based): chr22:43,946,236, A>G. VCF-style: chr22-43946236-A-G. GRCh37 (hg19) VCF-style: chr22-44342116-A-G.
Other names: short protein forms K434E.
Identifiers: ClinVar variation 341943 (VCV000341943.34), dbSNP rs2294918, ClinGen allele CA10278247.

ClinVar aggregate classification (germline): Conflicting classifications of pathogenicity. Review status: criteria provided, conflicting classifications (1 of 4 stars). 4 submissions from 4 submitters: Uncertain significance (1); Benign (3). Last evaluated 2024-04-01.

Conditions:
NAFLD1 (FLD1). Also called: FATTY LIVER DISEASE, SUSCEPTIBILITY TO, 1; Fatty liver disease, nonalcoholic 1. Identifiers: MedGen C2750440, MONDO:0021105, OMIM 613282.

Allele frequency attached by ClinVar (database versions not stated): gnomAD exomes 0.67947; ESP Exome Variant Server 0.68038; gnomAD 0.69785 and 0.69901; TOPMed 0.71189; 1000 Genomes Project 30x 0.78701; 1000 Genomes Project 0.78774; ExAC 0.67781.
gnomAD v4.1: 1,015,096 of 1,613,890 alleles (63%); highest among the groups gnomAD compares: African/African-American, 87%; 324,921 homozygotes.

Submissions (4):

CeGaT Center for Human Genetics Tuebingen
Classification: Uncertain significance. Last evaluated: 2024-04-01. Review status: criteria provided, single submitter. Criteria: CeGaT Center For Human Genetics Tuebingen Variant Classification Criteria Version 2. Collection method: clinical testing. Allele origin: germline. Affected: yes. Observed: 4 variant alleles.
Comment: PNPLA3: PM1, PP4

GeneDx
Classification: Benign. Last evaluated: 2020-10-29. Review status: criteria provided, single submitter. Criteria: GeneDx Variant Classification Process June 2021. Collection method: clinical testing. Allele origin: germline. Affected: yes.
Comment: This variant is associated with the following publications: (PMID: 26605757)

Illumina Laboratory Services, Illumina
Classification: Benign for NAFLD1. Last evaluated: 2018-01-13. Review status: criteria provided, single submitter. Criteria: ICSL Variant Classification Criteria 13 December 2019. Collection method: clinical testing. Allele origin: germline.
Comment: This variant was observed in the ICSL laboratory as part of a predisposition screen in an ostensibly healthy population. It had not been previously curated by ICSL or reported in the Human Gene Mutation Database (HGMD: prior to June 1st, 2018), and was therefore a candidate for classification through an automated scoring system. Utilizing variant allele frequency, disease prevalence and penetrance estimates, and inheritance mode, an automated score was calculated to assess if this variant is too frequent to cause the disease. Based on the score and internal cut-off values, a variant classified as benign is not then subjected to further curation. The score for this variant resulted in a classification of benign for this disease.

Breakthrough Genomics
Classification: Benign. Review status: criteria provided, single submitter. Criteria: ACMG Guidelines, 2015. Collection method: not provided. Allele origin: germline. Inheritance: Unknown mechanism. Affected: yes.